The following is an entry in ClinVar:

NM_000057.4(BLM):c.2407-2A>G

Gene: BLM (BLM RecQ like helicase; plus strand). Cytogenetic location: 15q26.1.
Variant type: single nucleotide variant.
Coding change: c.2407-2A>G on transcript NM_000057.4 (MANE Select); the canonical splice acceptor site of the intron before coding-DNA position 2407, A replaced by G.
Molecular consequence: splice acceptor variant.
Genome position (GRCh38, 1-based): chr15:90,769,436, A>G. VCF-style: chr15-90769436-A-G. GRCh37 (hg19) VCF-style: chr15-91312666-A-G.
Other names: c.2407-2A>G (NM_001287246.2, NM_001287247.2, NM_000057.2); c.1282-2A>G (NM_001287248.2).
Identifiers: ClinVar variation 2680165 (VCV002680165.3), dbSNP rs2151166047, ClinGen allele CA393845242.

ClinVar aggregate classification (germline): Likely pathogenic. Review status: criteria provided, multiple submitters, no conflicts (2 of 4 stars). 3 submissions from 3 submitters: Likely pathogenic (3). Last evaluated 2025-04-10.

Conditions:
Hereditary cancer-predisposing syndrome. Also called: Neoplastic Syndromes, Hereditary; Hereditary neoplastic syndrome; Tumor predisposition; Hereditary Cancer Syndrome. Identifiers: Orphanet 140162, MedGen C0027672, MeSH D009386, MONDO:0015356.
Bloom syndrome (BLM). Also called: Bloom-Torre-Machacek syndrome. Identifiers: Orphanet 125, MedGen C0005859, MONDO:0008876, OMIM 210900.

Allele frequency attached by ClinVar (database versions not stated): gnomAD exomes below 0.00001.
gnomAD v4.1: 5 of 1,614,004 alleles (0.00031%); highest among the groups gnomAD compares: Non-Finnish European, 0.00042%; no homozygotes.

Submissions (3):

Labcorp Genetics (formerly Invitae), Labcorp
Classification: Likely pathogenic for Bloom syndrome. Last evaluated: 2025-04-10. Review status: criteria provided, single submitter. Criteria: Invitae Variant Classification Sherloc (09022015). Collection method: clinical testing. Allele origin: germline.
Comment: This sequence change affects an acceptor splice site in intron 11 of the BLM gene. It is expected to disrupt RNA splicing. Variants that disrupt the donor or acceptor splice site typically lead to a loss of protein function (PMID: 16199547), and loss-of-function variants in BLM are known to be pathogenic (PMID: 17407155). This variant is not present in population databases (gnomAD no frequency). This variant has not been reported in the literature in individuals affected with BLM-related conditions. ClinVar contains an entry for this variant (Variation ID: 2680165). Algorithms developed to predict the effect of sequence changes on RNA splicing suggest that this variant may disrupt the consensus splice site. In summary, the currently available evidence indicates that the variant is pathogenic, but additional data are needed to prove that conclusively. Therefore, this variant has been classified as Likely Pathogenic.

Ambry Genetics
Classification: Likely pathogenic for Hereditary cancer-predisposing syndrome. Last evaluated: 2024-11-21. Review status: criteria provided, single submitter. Criteria: Ambry Variant Classification Scheme 2023. Collection method: clinical testing. Allele origin: germline.
Comment: The c.2407-2A>G intronic variant results from an A to G substitution two nucleotides upstream from coding exon 11 in the BLM gene. This variant is considered to be rare based on population cohorts in the Genome Aggregation Database (gnomAD). This nucleotide position is highly conserved in available vertebrate species. In silico splice site analysis predicts that this alteration will weaken the native splice acceptor site and may result in the creation or strengthening of a novel splice acceptor site. Alterations that disrupt the canonical splice site are expected to cause aberrant splicing, resulting in an abnormal protein or a transcript that is subject to nonsense-mediated mRNA decay. As such, this alteration is classified as likely pathogenic.

Baylor Genetics
Classification: Likely pathogenic for Bloom syndrome. Last evaluated: 2023-09-14. Review status: criteria provided, single submitter. Criteria: ACMG Guidelines, 2015. Collection method: clinical testing. Allele origin: unknown.

Literature cited by the submitters: PubMed 16199547 (cited by Labcorp Genetics (formerly Invitae), Labcorp); PubMed 17407155 (cited by Labcorp Genetics (formerly Invitae), Labcorp).